The following is an entry in ClinVar:

NM_000384.3(APOB):c.7118C>G (p.Thr2373Ser)

Gene: APOB (apolipoprotein B; minus strand). Cytogenetic location: 2p24.1.
Variant type: single nucleotide variant.
Coding change: c.7118C>G on transcript NM_000384.3 (MANE Select); coding-DNA position 7118, C replaced by G.
Protein change: p.Thr2373Ser; replaces threonine 2373 with serine.
Molecular consequence: missense variant.
Genome position (GRCh38, 1-based): chr2:21,009,750, G>C on the plus strand (C>G on the coding strand, the complement: APOB is on the minus strand). VCF-style: chr2-21009750-G-C. GRCh37 (hg19) VCF-style: chr2-21232622-G-C.
Other names: short protein forms T2373S.
Identifiers: ClinVar variation 1004126 (VCV001004126.49), dbSNP rs1417267509, ClinGen allele CA345997997.

ClinVar aggregate classification (germline): Uncertain significance (1 of 4 stars; one submission).

Conditions:
Familial hypobetalipoproteinemia 1. Also called: APOB-Related Familial Hypobetalipoproteinemia; Hypobetalipoproteinemia, normotriglyceridemic; Acanthocytosis with hypobetalipoproteinemia. Identifiers: MedGen C4551990, MONDO:0014252, OMIM 615558.
Hypercholesterolemia, autosomal dominant, type B (FHCL2). Also called: APOLIPOPROTEIN B-100, FAMILIAL DEFECTIVE; APOLIPOPROTEIN B-100, FAMILIAL LIGAND-DEFECTIVE; HYPERCHOLESTEROLEMIA, FAMILIAL, DUE TO LIGAND-DEFECTIVE APOLIPOPROTEIN B; Hyperlipoproteinemia Type IIb; Familial hypercholesterolemia 2; Familial Hypercholesterolemia Type B. Identifiers: MedGen C1704417, MONDO:0007751, OMIM 144010.

gnomAD v4.1: 6 of 1,613,910 alleles (0.00037%); highest among the groups gnomAD compares: Non-Finnish European, 0.00051%; no homozygotes.

Submission:

Labcorp Genetics (formerly Invitae), Labcorp
Classification: Uncertain significance for Familial hypobetalipoproteinemia 1; Hypercholesterolemia, autosomal dominant, type B. Last evaluated: 2020-10-03. Review status: criteria provided, single submitter. Criteria: Invitae Variant Classification Sherloc (09022015). Collection method: clinical testing. Allele origin: germline.
Comment: Algorithms developed to predict the effect of missense changes on protein structure and function (SIFT, PolyPhen-2, Align-GVGD) all suggest that this variant is likely to be tolerated, but these predictions have not been confirmed by published functional studies and their clinical significance is uncertain. In summary, the available evidence is currently insufficient to determine the role of this variant in disease. Therefore, it has been classified as a Variant of Uncertain Significance. This variant has not been reported in the literature in individuals with APOB-related conditions. This variant is not present in population databases (ExAC no frequency). This sequence change replaces threonine with serine at codon 2373 of the APOB protein (p.Thr2373Ser). The threonine residue is moderately conserved and there is a small physicochemical difference between threonine and serine.